The following is an entry in ClinVar:

NM_000138.5(FBN1):c.159dup (p.Lys54Ter)

Gene: FBN1 (fibrillin 1; minus strand). Cytogenetic location: 15q21.1.
Variant type: Duplication.
Coding change: c.159dup on transcript NM_000138.5 (MANE Select); coding-DNA position 159, one base duplicated (T; older notation c.159dupT).
Protein change: p.Lys54Ter; replaces lysine 54 with a stop codon.
Molecular consequence: nonsense.
Genome position (GRCh38, 1-based): chr15:48,644,611, A duplicated on the plus strand (T on the coding strand, the reverse complement: FBN1 is on the minus strand); the first of 2 consecutive A bases (chr15:48,644,611-48,644,612); duplicating either gives the same sequence. VCF-style (leftmost placement, unchanged base first): chr15-48644610-T-TA. GRCh37 (hg19) VCF-style: chr15-48936807-T-TA.
Other names: c.159dup, p.Lys54Ter (NM_001406716.1, NM_001406717.1, NM_001406718.1); short protein forms K54*.
Identifiers: ClinVar variation 4786260 (VCV004786260.1).
Genomic context (GRCh38, chr15:48,644,610, plus strand): 5'-TTCTGGATCTTGAAACTTGGGAGACCCACACCAAAGGAGGGAACCGGTTCCTTTACCCTT[T>TA]AAGCGCGTCGTGTCCTCCACCGCCTCTTCTCTTGGCCCGACTGGCTCTGGTTTCCTTCAC-3'

ClinVar aggregate classification (germline): Pathogenic (1 of 4 stars; one submission).

Conditions:
Marfan syndrome (MFS). Also called: FBN1-Related Marfan Syndrome; MARFAN SYNDROME, TYPE I; Marfan syndrome type 1; Marfan's syndrome; Marfan syndrome, classic. Identifiers: Orphanet 284963, Orphanet 558, MedGen C0024796, MONDO:0007947, OMIM 154700.
Familial thoracic aortic aneurysm and aortic dissection (TAAD). Also called: Thoracic aortic aneurysms and dissections. Identifiers: Orphanet 91387, MedGen C4707243, MONDO:0019625.

Submission:

Labcorp Genetics (formerly Invitae), Labcorp
Classification: Pathogenic for Marfan syndrome; Familial thoracic aortic aneurysm and aortic dissection. Last evaluated: 2025-09-29. Review status: criteria provided, single submitter. Criteria: Invitae Variant Classification Sherloc (09022015). Collection method: clinical testing. Allele origin: germline.
Comment: This sequence change creates a premature translational stop signal (p.Lys54*) in the FBN1 gene. It is expected to result in an absent or disrupted protein product. Loss-of-function variants in FBN1 are known to be pathogenic (PMID: 17657824, 19293843). This variant is not present in population databases (gnomAD no frequency). This variant has not been reported in the literature in individuals affected with FBN1-related conditions. For these reasons, this variant has been classified as Pathogenic.

Literature cited by the submitters: PubMed 17657824; PubMed 19293843.